The following is an entry in ClinVar:

ClinVar aggregate classification (germline): Uncertain significance (1 of 4 stars; one submission).

Allele frequency attached by ClinVar (database versions not stated): gnomAD exomes below 0.00001; TOPMed below 0.00001; gnomAD 0.00001.

Submission:

Labcorp Genetics (formerly Invitae), Labcorp
Classification: Uncertain significance. Last evaluated: 2024-10-08. Review status: criteria provided, single submitter. Criteria: Invitae Variant Classification Sherloc (09022015). Collection method: clinical testing. Allele origin: germline.
Comment: This sequence change replaces proline, which is neutral and non-polar, with leucine, which is neutral and non-polar, at codon 19 of the GFER protein (p.Pro19Leu). This variant is not present in population databases (gnomAD no frequency). This variant has not been reported in the literature in individuals affected with GFER-related conditions. ClinVar contains an entry for this variant (Variation ID: 1950818). An algorithm developed to predict the effect of missense changes on protein structure and function (PolyPhen-2) suggests that this variant is likely to be disruptive. In summary, the available evidence is currently insufficient to determine the role of this variant in disease. Therefore, it has been classified as a Variant of Uncertain Significance.

NM_005262.3(GFER):c.56C>T (p.Pro19Leu)

Genes: GFER (growth factor, augmenter of liver regeneration; plus strand), LOC130058203 (ATAC-STARR-seq lymphoblastoid silent region 7014; plus strand). Cytogenetic location: 16p13.3.
Variant type: single nucleotide variant.
Coding change: c.56C>T on transcript NM_005262.3 (MANE Select); coding-DNA position 56, C replaced by T.
Protein change: p.Pro19Leu; replaces proline 19 with leucine.
Molecular consequence: missense variant.
Genome position (GRCh38, 1-based): chr16:1,984,274, C>T. VCF-style: chr16-1984274-C-T. GRCh37 (hg19) VCF-style: chr16-2034275-C-T.
Other names: short protein forms P19L.
Identifiers: ClinVar variation 1950818 (VCV001950818.5), dbSNP rs1276194720, ClinGen allele CA394300276.